The following is an entry in ClinVar:

ClinVar aggregate classification (germline): Likely pathogenic. Review status: criteria provided, multiple submitters, no conflicts (2 of 4 stars). 2 submissions from 2 submitters: Likely pathogenic (2). Last evaluated 2026-09-24.

Conditions:
Fanconi anemia complementation group E (FANCE). Also called: FANCE-Related Fanconi Anemia. Identifiers: Orphanet 84, MedGen C3160739, MONDO:0010953, OMIM 600901.
FANCE-related disorder. Also called: FANCE-related condition.

gnomAD v4.1: 1 of 1,614,150 alleles (0.000062%); highest among the groups gnomAD compares: African/African-American, 0.0013%; no homozygotes.

Submissions (2):

PreventionGenetics, part of Exact Sciences
Classification: Likely pathogenic for FANCE-related condition. Last evaluated: 2026-09-24. Review status: criteria provided, single submitter. Criteria: ACMG Guidelines, 2015. Collection method: clinical testing. Allele origin: germline.
Comment: The FANCE c.1300C>T variant is predicted to result in premature protein termination (p.Gln434*). To our knowledge, this variant has not been reported in the literature or in a large population database (gnomAD), indicating this variant is rare. Nonsense variants in FANCE are expected to be pathogenic. This variant is interpreted as likely pathogenic.

Baylor Genetics
Classification: Likely pathogenic for Fanconi anemia complementation group E. Last evaluated: 2023-12-07. Review status: criteria provided, single submitter. Criteria: ACMG Guidelines, 2015. Collection method: clinical testing. Allele origin: unknown.

NM_021922.3(FANCE):c.1300C>T (p.Gln434Ter)

Gene: FANCE (FA complementation group E; plus strand). Cytogenetic location: 6p21.31.
Variant type: single nucleotide variant.
Coding change: c.1300C>T on transcript NM_021922.3 (MANE Select); coding-DNA position 1300, C replaced by T.
Protein change: p.Gln434Ter; replaces glutamine 434 with a stop codon.
Molecular consequence: nonsense.
Genome position (GRCh38, 1-based): chr6:35,459,744, C>T. VCF-style: chr6-35459744-C-T. GRCh37 (hg19) VCF-style: chr6-35427521-C-T.
Other names: c.1300C>T, p.Gln434Ter (NM_001410876.1); short protein forms Q434*.
Identifiers: ClinVar variation 3241582 (VCV003241582.2), dbSNP rs2533681022.
Genomic context (GRCh38, chr6:35,459,744, plus strand): 5'-CCTGCTCAAACAGAGTTACTGTGTTGCCTTGTGAAGATGGAGTCCCTGGAGCCAGATGCA[C>T]AGGTTCTAATGCTGGGGTGAGTGTGCAGGCCTCCGTGCTGTCCCCACTGCCACCTGTTCC-3'